The following is an entry in ClinVar:

ClinVar aggregate classification (germline): Likely benign. Review status: criteria provided, multiple submitters, no conflicts (2 of 4 stars). 5 submissions from 5 submitters: Likely benign (5). Last evaluated 2026-06-01.

Conditions:
Early-infantile DEE. Also called: Early infantile epileptic encephalopathy; Ohtahara syndrome; Early infantile epileptic encephalopathy with suppression bursts. Identifiers: Orphanet 1934, MedGen C0393706, MONDO:0800491.
Inborn genetic diseases. Identifiers: MedGen C0950123, MeSH D030342.

Allele frequency attached by ClinVar (database versions not stated): gnomAD 0.00003; gnomAD exomes 0.00001 and 0.00002; ExAC 0.00002; TOPMed 0.00002.
gnomAD v4.1: 23 of 1,614,038 alleles (0.0014%); highest among the groups gnomAD compares: South Asian, 0.0044%; no homozygotes.

Submissions (5):

CeGaT Center for Human Genetics Tuebingen
Classification: Likely benign. Last evaluated: 2026-06-01. Review status: criteria provided, single submitter. Criteria: CeGaT Center For Human Genetics Tuebingen Variant Classification Criteria Version 2. Collection method: clinical testing. Allele origin: germline. Affected: yes. Observed: 2 variant alleles.
Comment: SCN8A: BP4, BP7

Labcorp Genetics (formerly Invitae), Labcorp
Classification: Likely benign for Early-infantile DEE. Last evaluated: 2025-12-01. Review status: criteria provided, single submitter. Criteria: Invitae Variant Classification Sherloc (09022015). Collection method: clinical testing. Allele origin: germline.

Blueprint Genetics
Classification: Likely benign. Last evaluated: 2023-09-07. Review status: criteria provided, single submitter. Criteria: ACMG Guidelines, 2015. Collection method: clinical testing. Allele origin: germline.

GeneDx
Classification: Likely benign. Last evaluated: 2016-12-19. Review status: criteria provided, single submitter. Criteria: GeneDx Variant Classification (06012015). Collection method: clinical testing. Allele origin: germline. Affected: yes.
Comment: This variant is considered likely benign or benign based on one or more of the following criteria: it is a conservative change, it occurs at a poorly conserved position in the protein, it is predicted to be benign by multiple in silico algorithms, and/or has population frequency not consistent with disease.

Ambry Genetics
Classification: Likely benign for Inborn genetic diseases. Last evaluated: 2016-08-17. Review status: criteria provided, single submitter. Criteria: Ambry Variant Classification Scheme 2023. Collection method: clinical testing. Allele origin: germline.

NM_001330260.2(SCN8A):c.5271C>T (p.Val1757=)

Gene: SCN8A (sodium voltage-gated channel alpha subunit 8; plus strand). Cytogenetic location: 12q13.13.
Variant type: single nucleotide variant.
Coding change: c.5271C>T on transcript NM_001330260.2 (MANE Select); coding-DNA position 5271, C replaced by T.
Protein change: p.Val1757=; no amino-acid change (valine 1757 retained).
Molecular consequence: synonymous variant.
Genome position (GRCh38, 1-based): chr12:51,806,757, C>T. VCF-style: chr12-51806757-C-T. GRCh37 (hg19) VCF-style: chr12-52200541-C-T.
Other names: c.5148C>T, p.Val1716= (NM_001177984.3, NM_001369788.1); c.5271C>T, p.Val1757= (NM_014191.4).
Identifiers: ClinVar variation 391783 (VCV000391783.47), dbSNP rs752174650, ClinGen allele CA6571904.